The following is an entry in ClinVar:

ClinVar aggregate classification (germline): Conflicting classifications of pathogenicity. Review status: criteria provided, conflicting classifications (1 of 4 stars). 3 submissions from 3 submitters: Likely pathogenic (2); Uncertain significance (1). Last evaluated 2025-09-30.

Conditions:
Metachromatic leukodystrophy (MLD). Also called: ARSA DEFICIENCY; CEREBROSIDE SULFATASE DEFICIENCY; SULFATIDE LIPIDOSIS; Cerebral sclerosis diffuse metachromatic form; Arylsulfatase A Deficiency; METACHROMATIC LEUKOENCEPHALOPATHY. Identifiers: Orphanet 512, MedGen C0023522, MONDO:0018868, OMIM 250100.

Submissions (3):

Myriad Genetics, Inc.
Classification: Uncertain significance for Metachromatic leukodystrophy. Last evaluated: 2025-09-30. Review status: criteria provided, single submitter. Criteria: Myriad Autosomal Dominant, Autosomal Recessive and X-Linked Classification Criteria (2023). Collection method: clinical testing. Allele origin: unknown.
Comment: NM_000487.5(ARSA):c.928G>A(G310S) is a missense variant classified as a variant of uncertain significance in the context of metachromatic leukodystrophy. G310S has been observed in cases with relevant disease (PMID: 31069529, 37489029). Relevant functional assessments of this variant are not available in the literature. G310S has not been observed in referenced population frequency databases. In summary, there is insufficient evidence to classify NM_000487.5(ARSA):c.928G>A(G310S) as pathogenic or benign. Please note: this variant was assessed in the context of healthy population screening.

Natera, Inc.
Classification: Likely pathogenic for Metachromatic leukodystrophy. Last evaluated: 2025-09-18. Review status: criteria provided, single submitter. Criteria: Natera Variant Classification Schema (03/2026). Collection method: clinical testing. Allele origin: germline.
Comment: The c.928G>A variant in ARSA is a missense variant predicted to cause substitution of glycine to serine at amino acid 310. This variant is rare in the general population with a frequency below the threshold expected for the associated phenotype(s). This variant has been observed in one or more individuals affected with the associated recessive disease, as either homozygous or compound heterozygous with a second variant (PMID: 31069529). A different variant at the same position has been determined to be Pathogenic or Likely Pathogenic. Computational prediction algorithms indicate this variant is likely to affect gene or protein function. Given the available evidence, this variant is classified as Likely Pathogenic.

Labcorp Genetics (formerly Invitae), Labcorp
Classification: Likely pathogenic for Metachromatic leukodystrophy. Last evaluated: 2023-06-03. Review status: criteria provided, single submitter. Criteria: Invitae Variant Classification Sherloc (09022015). Collection method: clinical testing. Allele origin: germline.
Comment: This sequence change replaces glycine, which is neutral and non-polar, with serine, which is neutral and polar, at codon 310 of the ARSA protein (p.Gly310Ser). This variant is not present in population databases (gnomAD no frequency). This missense change has been observed in individual(s) with leukodystrophy (PMID: 31069529). Advanced modeling of protein sequence and biophysical properties (such as structural, functional, and spatial information, amino acid conservation, physicochemical variation, residue mobility, and thermodynamic stability) performed at Invitae indicates that this missense variant is expected to disrupt ARSA protein function. This variant disrupts the p.Gly310 amino acid residue in ARSA. Other variant(s) that disrupt this residue have been determined to be pathogenic (PMID: 8891236, 10477432). This suggests that this residue is clinically significant, and that variants that disrupt this residue are likely to be disease-causing. In summary, the currently available evidence indicates that the variant is pathogenic, but additional data are needed to prove that conclusively. Therefore, this variant has been classified as Likely Pathogenic.

Literature cited by the submitters: PubMed 31069529 (cited by 3 submitters); PubMed 37489029 (cited by Myriad Genetics, Inc.); PubMed 8891236 (cited by Labcorp Genetics (formerly Invitae), Labcorp); PubMed 10477432 (cited by Labcorp Genetics (formerly Invitae), Labcorp).

NM_000487.6(ARSA):c.928G>A (p.Gly310Ser)

Gene: ARSA (arylsulfatase A; minus strand). Cytogenetic location: 22q13.33.
Variant type: single nucleotide variant.
Coding change: c.928G>A on transcript NM_000487.6 (MANE Select); coding-DNA position 928, G replaced by A.
Protein change: p.Gly310Ser; replaces glycine 310 with serine.
Molecular consequence: missense variant.
Genome position (GRCh38, 1-based): chr22:50,626,205, C>T on the plus strand (G>A on the coding strand, the complement: ARSA is on the minus strand). VCF-style: chr22-50626205-C-T. GRCh37 (hg19) VCF-style: chr22-51064633-C-T.
Other names: c.928G>A, p.Gly310Ser (NM_001085425.3, NM_001085426.3, NM_001085427.3); c.670G>A, p.Gly224Ser (NM_001085428.3, NM_001362782.2); c.928G>A (NM_000487.5); short protein forms G224S, G310S.
Identifiers: ClinVar variation 2759633 (VCV002759633.5), dbSNP rs2518326996, ClinGen allele CA412174565.